The following is an entry in ClinVar:

NM_005359.6(SMAD4):c.202C>T (p.Pro68Ser)

Gene: SMAD4 (SMAD family member 4; plus strand). Cytogenetic location: 18q21.2.
Variant type: single nucleotide variant.
Coding change: c.202C>T on transcript NM_005359.6 (MANE Select); coding-DNA position 202, C replaced by T.
Protein change: p.Pro68Ser; replaces proline 68 with serine.
Molecular consequence: missense variant. On other transcripts: non-coding transcript variant (2).
Genome position (GRCh38, 1-based): chr18:51,047,248, C>T. VCF-style: chr18-51047248-C-T. GRCh37 (hg19) VCF-style: chr18-48573618-C-T.
Other names: c.202C>T, p.Pro68Ser (NM_001407041.1, NM_001407042.1, NM_001407043.1); short protein forms P68S.
Identifiers: ClinVar variation 3637562 (VCV003637562.2).
Genomic context (GRCh38, chr18:51,047,248, plus strand): 5'-AAGGAGAAAAAAGATGAATTGGATTCTTTAATAACAGCTATAACTACAAATGGAGCTCAT[C>T]CTAGTAAATGTGTTACCATACAGAGAACATTGGATGGGAGGCTTCAGGTTAGTCTTATAA-3'
Protein context (NP_005350.1, residues 58-78): ITAITTNGAH[Pro68Ser]SKCVTIQRTL

ClinVar aggregate classification (germline): Uncertain significance (1 of 4 stars; one submission).

Conditions:
Juvenile polyposis syndrome (JPS). Identifiers: Orphanet 2929, MedGen C0345893, MONDO:0017380, OMIM 174900.

Submission:

Labcorp Genetics (formerly Invitae), Labcorp
Classification: Uncertain significance for Juvenile polyposis syndrome. Last evaluated: 2024-04-13. Review status: criteria provided, single submitter. Criteria: Invitae Variant Classification Sherloc (09022015). Collection method: clinical testing. Allele origin: germline.
Comment: This sequence change replaces proline, which is neutral and non-polar, with serine, which is neutral and polar, at codon 68 of the SMAD4 protein (p.Pro68Ser). This variant is not present in population databases (gnomAD no frequency). This variant has not been reported in the literature in individuals affected with SMAD4-related conditions. Advanced modeling of protein sequence and biophysical properties (such as structural, functional, and spatial information, amino acid conservation, physicochemical variation, residue mobility, and thermodynamic stability) has been performed at Invitae for this missense variant, however the output from this modeling did not meet the statistical confidence thresholds required to predict the impact of this variant on SMAD4 protein function. In summary, the available evidence is currently insufficient to determine the role of this variant in disease. Therefore, it has been classified as a Variant of Uncertain Significance.